The following is an entry in ClinVar:

NM_000256.3(MYBPC3):c.1808T>C (p.Ile603Thr)

Gene: MYBPC3 (myosin binding protein C3; minus strand). Cytogenetic location: 11p11.2.
Variant type: single nucleotide variant.
Coding change: c.1808T>C on transcript NM_000256.3 (MANE Select); coding-DNA position 1808, T replaced by C.
Protein change: p.Ile603Thr; replaces isoleucine 603 with threonine.
Molecular consequence: missense variant.
Genome position (GRCh38, 1-based): chr11:47,341,227, A>G on the plus strand (T>C on the coding strand, the complement: MYBPC3 is on the minus strand). VCF-style: chr11-47341227-A-G. GRCh37 (hg19) VCF-style: chr11-47362778-A-G.
Other names: short protein forms I603T.
Identifiers: ClinVar variation 42570 (VCV000042570.12), dbSNP rs397515928, ClinGen allele CA011205.

ClinVar aggregate classification (germline): Uncertain significance. Review status: criteria provided, multiple submitters, no conflicts (2 of 4 stars). 2 submissions from 2 submitters: Uncertain significance (2). Last evaluated 2022-03-09.

Conditions:
Hypertrophic cardiomyopathy. Also called: HYPERTROPHIC MYOCARDIOPATHY. Identifiers: Orphanet 217569, MedGen C0007194, MeSH D002312, MONDO:0005045, HP:0001639.

Submissions (2):

Labcorp Genetics (formerly Invitae), Labcorp
Classification: Uncertain significance for Hypertrophic cardiomyopathy. Last evaluated: 2022-03-09. Review status: criteria provided, single submitter. Criteria: Invitae Variant Classification Sherloc (09022015). Collection method: clinical testing. Allele origin: germline.
Comment: This variant is not present in population databases (gnomAD no frequency). This missense change has been observed in individuals with hypertrophic cardiomyopathy (PMID: 33782553; Invitae). ClinVar contains an entry for this variant (Variation ID: 42570). Algorithms developed to predict the effect of missense changes on protein structure and function (SIFT, PolyPhen-2, Align-GVGD) all suggest that this variant is likely to be disruptive. This variant disrupts the p.Ile603 amino acid residue in MYBPC3. Other variant(s) that disrupt this residue have been observed in individuals with MYBPC3-related conditions (PMID: 33782553), which suggests that this may be a clinically significant amino acid residue. In summary, the available evidence is currently insufficient to determine the role of this variant in disease. Therefore, it has been classified as a Variant of Uncertain Significance. This sequence change replaces isoleucine, which is neutral and non-polar, with threonine, which is neutral and polar, at codon 603 of the MYBPC3 protein (p.Ile603Thr).

Laboratory for Molecular Medicine, Mass General Brigham Personalized Medicine
Classification: Uncertain significance. Last evaluated: 2012-06-26. Review status: criteria provided, single submitter. Criteria: LMM Criteria. Collection method: clinical testing. Allele origin: germline. Observed: 1 variant allele.
Comment: The Ile603Thr variant in MYBPC3 has not been reported in the literature nor prev iously identified in >3600 individuals (>2200 Caucasian) tested by our laborator y. Computational analyses (biochemical amino acid properties, conservation, Alig nGVGD, PolyPhen2, and SIFT) suggest that this variant may impact the protein, th ough this information is not predictive enough to determine pathogenicity. Addit ional studies are needed to fully assess the clinical significance of this varia nt.

Literature cited by the submitters: PubMed 33782553 (cited by Labcorp Genetics (formerly Invitae), Labcorp).